The following is an entry in ClinVar:

ClinVar aggregate classification (germline): Uncertain significance (1 of 4 stars; one submission).

Conditions:
Neuropathy, hereditary sensory, type 2C. Also called: KIF1A-Related HSAN2 (HSAN2C); Hereditary sensory and autonomic neuropathy type IIC. Identifiers: Orphanet 970, MedGen C3280168, MONDO:0013634, OMIM 614213.
Hereditary spastic paraplegia 30. Identifiers: Orphanet 101010, MedGen C5235139, MONDO:0012476.
Intellectual disability, autosomal dominant 9 (NESCAVS). Also called: NESCAV SYNDROME; KIF1A-Related Neurodevelopmental Disorder. Identifiers: Orphanet 662367, MedGen C5393830, MONDO:0013656, OMIM 614255.

Submission:

Labcorp Genetics (formerly Invitae), Labcorp
Classification: Uncertain significance for Hereditary spastic paraplegia 30; Neuropathy, hereditary sensory, type 2C; Intellectual disability, autosomal dominant 9. Last evaluated: 2023-02-17. Review status: criteria provided, single submitter. Criteria: Invitae Variant Classification Sherloc (09022015). Collection method: clinical testing. Allele origin: germline.
Comment: In summary, the available evidence is currently insufficient to determine the role of this variant in disease. Therefore, it has been classified as a Variant of Uncertain Significance. Variants that disrupt the consensus splice site are a relatively common cause of aberrant splicing (PMID: 17576681, 9536098). Algorithms developed to predict the effect of sequence changes on RNA splicing suggest that this variant is not likely to affect RNA splicing. This variant has not been reported in the literature in individuals affected with KIF1A-related conditions. This variant is not present in population databases (gnomAD no frequency). This sequence change falls in intron 15 of the KIF1A gene. It does not directly change the encoded amino acid sequence of the KIF1A protein. It affects a nucleotide within the consensus splice site.

Literature cited by the submitters: PubMed 17576681; PubMed 9536098.

NM_001244008.2(KIF1A):c.1497+6A>G

Gene: KIF1A (kinesin family member 1A; minus strand). Cytogenetic location: 2q37.3.
Variant type: single nucleotide variant.
Coding change: c.1497+6A>G on transcript NM_001244008.2 (MANE Select); 6 bases into the intron after coding-DNA position 1497, A replaced by G.
Molecular consequence: intron variant.
Genome position (GRCh38, 1-based): chr2:240,769,127, T>C on the plus strand (A>G on the coding strand, the complement: KIF1A is on the minus strand). VCF-style: chr2-240769127-T-C. GRCh37 (hg19) VCF-style: chr2-241708544-T-C.
Other names: c.1470+6A>G (NM_001379653.1, NM_001379650.1, NM_001379645.1 and 10 more transcripts); c.1572+6A>G (NM_001379635.1, NM_001330290.2, NM_001379646.1 and 2 more transcripts); c.1545+6A>G (NM_001379637.1, NM_001379648.1); c.1497+6A>G (NM_001320705.2, NM_001379638.1, NM_001330289.2).
Identifiers: ClinVar variation 2941830 (VCV002941830.3), dbSNP rs2537817053, ClinGen allele CA2740096531.
Genomic context (GRCh38, chr2:240,769,127, plus strand): 5'-TGAGACAGCACCTCACCTGGTCCTGTTCAGATGAGGGCAGTACCACAGAACTGAGATAGC[T>C]CCTACCTTTTTGGGAGAGAATACGCCCAAGGTGCCGCCATCCTCCCTCATGGCCACACCC-3'